The following is an entry in ClinVar:

ClinVar aggregate classification (germline): Uncertain significance (1 of 4 stars; one submission).

Submission:

Labcorp Genetics (formerly Invitae), Labcorp
Classification: Uncertain significance. Last evaluated: 2023-10-04. Review status: criteria provided, single submitter. Criteria: Invitae Variant Classification Sherloc (09022015). Collection method: clinical testing. Allele origin: germline.
Comment: This sequence change replaces serine, which is neutral and polar, with glycine, which is neutral and non-polar, at codon 979 of the NSD1 protein (p.Ser979Gly). This variant is not present in population databases (gnomAD no frequency). This variant has not been reported in the literature in individuals affected with NSD1-related conditions. Advanced modeling of protein sequence and biophysical properties (such as structural, functional, and spatial information, amino acid conservation, physicochemical variation, residue mobility, and thermodynamic stability) performed at Invitae indicates that this missense variant is not expected to disrupt NSD1 protein function. In summary, the available evidence is currently insufficient to determine the role of this variant in disease. Therefore, it has been classified as a Variant of Uncertain Significance.

NM_022455.5(NSD1):c.2935A>G (p.Ser979Gly)

Gene: NSD1 (nuclear receptor binding SET domain protein 1; plus strand). Cytogenetic location: 5q35.3.
Variant type: single nucleotide variant.
Coding change: c.2935A>G on transcript NM_022455.5 (MANE Select); coding-DNA position 2935, A replaced by G.
Protein change: p.Ser979Gly; replaces serine 979 with glycine.
Molecular consequence: missense variant.
Genome position (GRCh38, 1-based): chr5:177,211,334, A>G. VCF-style: chr5-177211334-A-G. GRCh37 (hg19) VCF-style: chr5-176638335-A-G.
Other names: c.2062A>G, p.Ser688Gly (NM_001365684.2, NM_001409306.1, NM_001409307.1 and 3 more transcripts); c.2935A>G, p.Ser979Gly (NM_001409301.1, NM_001409302.1, NM_001409303.1); c.2515A>G, p.Ser839Gly (NM_001409304.1); c.2182A>G, p.Ser728Gly (NM_001409305.1); short protein forms S688G, S728G, S839G, S979G.
Identifiers: ClinVar variation 3672837 (VCV003672837.2).